The following is an entry in ClinVar:

NM_003978.5(PSTPIP1):c.345G>C (p.Gln115His)

Gene: PSTPIP1 (proline-serine-threonine phosphatase interacting protein 1; plus strand). Cytogenetic location: 15q24.3.
Variant type: single nucleotide variant.
Coding change: c.345G>C on transcript NM_003978.5 (MANE Select); coding-DNA position 345, G replaced by C.
Protein change: p.Gln115His; replaces glutamine 115 with histidine.
Molecular consequence: missense variant. On other transcripts: non-coding transcript variant (1).
Genome position (GRCh38, 1-based): chr15:77,025,595, G>C. VCF-style: chr15-77025595-G-C. GRCh37 (hg19) VCF-style: chr15-77317936-G-C.
Other names: c.345G>C, p.Gln115His (NM_001321135.2, NM_001411086.1); c.318G>C, p.Gln106His (NM_001321136.2); c.540G>C, p.Gln180His (NM_001321137.1); short protein forms Q115H, Q106H, Q180H.
Identifiers: ClinVar variation 4743758 (VCV004743758.1).

ClinVar aggregate classification (germline): Uncertain significance (1 of 4 stars; one submission).

Conditions:
Pyogenic arthritis-pyoderma gangrenosum-acne syndrome (PAPA). Also called: FAMILIAL RECURRENT ARTHRITIS; PAPA SYNDROME. Identifiers: Orphanet 69126, MedGen C1858361, MONDO:0011462, OMIM 604416.

Submission:

Labcorp Genetics (formerly Invitae), Labcorp
Classification: Uncertain significance for Pyogenic arthritis-pyoderma gangrenosum-acne syndrome. Last evaluated: 2025-04-11. Review status: criteria provided, single submitter. Criteria: Invitae Variant Classification Sherloc (09022015). Collection method: clinical testing. Allele origin: germline.
Comment: This sequence change replaces glutamine, which is neutral and polar, with histidine, which is basic and polar, at codon 115 of the PSTPIP1 protein (p.Gln115His). This variant is not present in population databases (gnomAD no frequency). This variant has not been reported in the literature in individuals affected with PSTPIP1-related conditions. Invitae Evidence Modeling of protein sequence and biophysical properties (such as structural, functional, and spatial information, amino acid conservation, physicochemical variation, residue mobility, and thermodynamic stability) indicates that this missense variant is not expected to disrupt PSTPIP1 protein function with a negative predictive value of 80%. In summary, the available evidence is currently insufficient to determine the role of this variant in disease. Therefore, it has been classified as a Variant of Uncertain Significance.